The following is an entry in ClinVar:

ClinVar aggregate classification (germline): Pathogenic. Review status: criteria provided, multiple submitters, no conflicts (2 of 4 stars). 11 submissions from 11 submitters: Pathogenic (7). 4 of the submissions do not count toward it. Last evaluated 2025-11-15.

Conditions:
BBS10-related disorder. Also called: BBS10-related condition.
Bardet-Biedl syndrome (BBS). Identifiers: Orphanet 110, MedGen C0752166, MONDO:0015229.
Bardet-Biedl syndrome 10 (BBS10). Identifiers: Orphanet 110, MedGen C1859568, MONDO:0014438, OMIM 615987.

Allele frequency attached by ClinVar (database versions not stated): TOPMed 0.00005; ESP Exome Variant Server 0.00008.

Submissions (11):

Labcorp Genetics (formerly Invitae), Labcorp
Classification: Pathogenic for Bardet-Biedl syndrome. Last evaluated: 2025-11-15. Review status: criteria provided, single submitter. Criteria: Invitae Variant Classification Sherloc (09022015). Collection method: clinical testing. Allele origin: germline.
Comment: This sequence change creates a premature translational stop signal (p.Tyr559*) in the BBS10 gene. While this is not anticipated to result in nonsense mediated decay, it is expected to disrupt the last 165 amino acid(s) of the BBS10 protein. This variant is present in population databases (rs375413604, gnomAD 0.009%). This premature translational stop signal has been observed in individuals with Bardet-Biedl syndrome (PMID: 20472660, 27788217, 28808579). ClinVar contains an entry for this variant (Variation ID: 417949). This variant disrupts a region of the BBS10 protein in which other variant(s) (p.Val707*) have been determined to be pathogenic (PMID: 20472660, 22773737, 25982971, 27486776). This suggests that this is a clinically significant region of the protein, and that variants that disrupt it are likely to be disease-causing. For these reasons, this variant has been classified as Pathogenic.

Natera, Inc.
Classification: Pathogenic for Bardet-Biedl syndrome type 10. Last evaluated: 2025-09-29. Review status: criteria provided, single submitter. Criteria: Natera Variant Classification Schema (03/2026). Collection method: clinical testing. Allele origin: germline.
Comment: The c.1677C>A variant in BBS10 is a nonsense variant predicted to introduce a stop codon at amino acid 559. This variant is expected to result in nonsense mediated decay, truncation, or a dysfunctional protein product. This variant is rare in the general population with a frequency below the threshold expected for the associated phenotype(s). This variant has been observed in one or more individuals affected with the associated recessive disease, as either homozygous or compound heterozygous with a second variant (PMID: 28808579, 21209035, 20472660). Given the available evidence, this variant is classified as Pathogenic.

GeneDx
Classification: Pathogenic. Last evaluated: 2025-01-27. Review status: criteria provided, single submitter. Criteria: GeneDx Variant Classification Process June 2021. Collection method: clinical testing. Allele origin: germline. Affected: yes.
Comment: Nonsense variant predicted to result in protein truncation, as the last 165 amino acid(s) are lost, and other loss-of-function variants have been reported downstream in HGMD; Reported as pathogenic in ClinVar but additional evidence is not available (ClinVar SCV000916670.1; ClinVar); This variant is associated with the following publications: (PMID: 25366773, 20472660, 21642631, 26003401, 34940782, 27788217, 31964843, 35112343, 35372954, 35835773, 30029678, 28808579)

Blueprint Genetics
Classification: Pathogenic for BBS10-related disorders. Last evaluated: 2024-06-14. Review status: criteria provided, single submitter. Criteria: ACMG Guidelines, 2015. Collection method: clinical testing. Allele origin: germline. Affected: yes. Observed: 5 variant alleles.

Fulgent Genetics
Classification: Pathogenic for Bardet-Biedl syndrome 10. Last evaluated: 2024-03-18. Review status: criteria provided, single submitter. Criteria: ACMG Guidelines, 2015. Collection method: clinical testing. Allele origin: germline.

Revvity Omics, Revvity
Classification: Pathogenic for Bardet-Biedl syndrome 10. Last evaluated: 2021-10-01. Review status: criteria provided, single submitter. Criteria: ACMG Guidelines, 2015. Collection method: clinical testing. Allele origin: germline.

Women's Health and Genetics/Laboratory Corporation of America, LabCorp
Classification: Pathogenic for Bardet-Biedl syndrome. Last evaluated: 2020-04-24. Review status: criteria provided, single submitter. Criteria: LabCorp Variant Classification Summary - May 2015. Collection method: clinical testing. Allele origin: germline.
Comment: Variant summary: BBS10 c.1677C>A (p.Tyr559X) results in a premature termination codon, predicted to cause a truncation of the encoded protein or absence of the protein due to nonsense mediated decay, which are commonly known mechanisms for disease. Truncations downstream of this position have been classified as pathogenic by our laboratory. The variant allele was found at a frequency of 4e-05 in 251128 control chromosomes. This frequency is not significantly higher than expected for a pathogenic variant in BBS10 causing Bardet-Biedl Syndrome (4e-05 vs 0.0014). c.1677C>A has been reported in the literature in individuals affected with Bardet-Biedl Syndrome (Billingsley_2010, Feuillan_2011, Knopp_2015, Ohto_2017, Wang_2016). To our knowledge, no experimental evidence demonstrating an impact on protein function has been reported. Three clinical diagnostic laboratories have submitted clinical-significance assessments for this variant to ClinVar after 2014 without evidence for independent evaluation. All laboratories classified the variant as pathogenic/likely pathogenic. Based on the evidence outlined above, the variant was classified as pathogenic.

PreventionGenetics, part of Exact Sciences
Classification: Pathogenic for BBS10-related condition. Last evaluated: 2024-09-16. Review status: no assertion criteria provided. Collection method: clinical testing. Allele origin: germline. Not counted in ClinVar's aggregate classification.
Comment: The BBS10 c.1677C>A variant is predicted to result in premature protein termination (p.Tyr559*). This variant has been reported in patients with Bardet-Biedl syndrome and retinal disorders (Billingsley et al. 2010. PubMed ID: 20472660; Wang et al. 2016. PubMed ID: 27788217; Ohto et al. 2017. PubMed ID: 28808579). This variant is reported in 0.0085% of alleles in individuals of European (Non-Finnish) descent in gnomAD. Nonsense variants in BBS10 are expected to be pathogenic. This variant is interpreted as pathogenic.

Division of Human Genetics, Children's Hospital of Philadelphia
Classification: Likely pathogenic for Bardet-Biedl syndrome 10. Last evaluated: 2016-08-23. Review status: no assertion criteria provided. Collection method: research. Allele origin: germline. Study: CSER-PediSeq. Not counted in ClinVar's aggregate classification.

Diagnostic Laboratory, Department of Genetics, University Medical Center Groningen
Classification: Pathogenic. Review status: no assertion criteria provided. Collection method: clinical testing. Allele origin: germline. Affected: yes. Study: VKGL Data-share Consensus. Not counted in ClinVar's aggregate classification.

Joint Genome Diagnostic Labs from Nijmegen and Maastricht, Radboudumc and MUMC+
Classification: Pathogenic. Review status: no assertion criteria provided. Collection method: clinical testing. Allele origin: germline. Affected: yes. Study: VKGL Data-share Consensus. Not counted in ClinVar's aggregate classification.

Literature cited by the submitters: PubMed 20472660 (cited by 3 submitters); PubMed 27788217 (cited by Labcorp Genetics (formerly Invitae), Labcorp and Women's Health and Genetics/Laboratory Corporation of America, LabCorp); PubMed 28808579 (cited by 3 submitters); PubMed 22773737 (cited by Labcorp Genetics (formerly Invitae), Labcorp); PubMed 25982971 (cited by Labcorp Genetics (formerly Invitae), Labcorp); PubMed 27486776 (cited by Labcorp Genetics (formerly Invitae), Labcorp); PubMed 21209035 (cited by Natera, Inc. and Women's Health and Genetics/Laboratory Corporation of America, LabCorp); PubMed 26003401 (cited by Women's Health and Genetics/Laboratory Corporation of America, LabCorp).

NM_024685.4(BBS10):c.1677C>A (p.Tyr559Ter)

Gene: BBS10 (Bardet-Biedl syndrome 10; minus strand). Cytogenetic location: 12q21.2.
Variant type: single nucleotide variant.
Coding change: c.1677C>A on transcript NM_024685.4 (MANE Select); coding-DNA position 1677, C replaced by A.
Protein change: p.Tyr559Ter; replaces tyrosine 559 with a stop codon.
Molecular consequence: nonsense.
Genome position (GRCh38, 1-based): chr12:76,346,308, G>T on the plus strand (C>A on the coding strand, the complement: BBS10 is on the minus strand). VCF-style: chr12-76346308-G-T. GRCh37 (hg19) VCF-style: chr12-76740088-G-T.
Other names: c.1677C>A, p.Tyr559Ter (LRG_1255t1); short protein forms Y559*.
Identifiers: ClinVar variation 417949 (VCV000417949.35), dbSNP rs375413604, ClinGen allele CA6694126.